The following is an entry in ClinVar:

NM_001394062.1(MACF1):c.16639C>T (p.Arg5547Trp)

Gene: MACF1 (microtubule actin crosslinking factor 1; plus strand). Cytogenetic location: 1p34.3.
Variant type: single nucleotide variant.
Coding change: c.16639C>T on transcript NM_001394062.1 (MANE Select); coding-DNA position 16639, C replaced by T.
Protein change: p.Arg5547Trp; replaces arginine 5547 with tryptophan.
Molecular consequence: missense variant. On other transcripts: intron variant (1).
Genome position (GRCh38, 1-based): chr1:39,428,123, C>T. VCF-style: chr1-39428123-C-T. GRCh37 (hg19) VCF-style: chr1-39893795-C-T.
Other names: c.10453C>T, p.Arg3485Trp (NM_012090.5); c.4872+509C>T (NM_001397473.1); short protein forms R3485W, R5547W.
Identifiers: ClinVar variation 1712114 (VCV001712114.2), dbSNP rs1480607689, ClinGen allele CA339797460.

ClinVar aggregate classification (germline): Uncertain significance (1 of 4 stars; one submission).

Allele frequency attached by ClinVar (database versions not stated): gnomAD 0.00001; gnomAD exomes 0.00001; TOPMed 0.00002.
gnomAD v4.1: 11 of 1,614,026 alleles (0.00068%); highest among the groups gnomAD compares: African/African-American, 0.0027%; no homozygotes.

Submission:

GeneDx
Classification: Uncertain significance. Last evaluated: 2022-10-17. Review status: criteria provided, single submitter. Criteria: GeneDx Variant Classification Process June 2021. Collection method: clinical testing. Allele origin: germline. Affected: yes.
Comment: Not observed at significant frequency in large population cohorts (gnomAD); In silico analysis supports that this missense variant has a deleterious effect on protein structure/function; Has not been previously published as pathogenic or benign to our knowledge